The following is an entry in ClinVar:

NM_177398.4(LMX1A):c.771GCA[6] (p.Gln262_Asp263insGln)

Genes: LMX1A (LIM homeobox transcription factor 1 alpha; minus strand), LMX1A-AS2 (LMX1A antisense RNA 2; plus strand). Cytogenetic location: 1q23.3.
Variant type: Microsatellite.
Coding change: c.771GCA[6] on transcript NM_177398.4 (MANE Select); six copies in a row of the 3-base unit GCA starting at c.771; the reference has five copies in a row; one copy, 3 bases duplicated.
Protein change: p.Gln262_Asp263insGln.
Genome position (GRCh38, 1-based): chr1:165,208,095-165,208,097, TGC duplicated on the plus strand (GCA on the coding strand, the reverse complement: LMX1A is on the minus strand); duplicating any 3 consecutive bases within chr1:165,208,095-165,208,111 gives the same sequence; the position shown is the placement nearest the transcript's 3' end. VCF-style (leftmost placement, unchanged base first): chr1-165208094-T-TTGC. GRCh37 (hg19) VCF-style: chr1-165177331-T-TTGC.
Other names: c.771GCA[6], p.Gln262_Asp263insGln (NM_001174069.2).
Identifiers: ClinVar variation 3029574 (VCV003029574.2), dbSNP rs144665555, ClinGen allele CA1219704.

ClinVar aggregate classification (germline): Likely benign (0 of 4 stars; one submission).

Conditions:
LMX1A-related disorder. Also called: LMX1A-related condition.

Submission:

PreventionGenetics, part of Exact Sciences
Classification: Likely benign for LMX1A-related condition. Last evaluated: 2023-05-03. Review status: no assertion criteria provided. Collection method: clinical testing. Allele origin: germline.
Comment: This variant is classified as likely benign based on ACMG/AMP sequence variant interpretation guidelines (Richards et al. 2015 PMID: 25741868, with internal and published modifications).